The following is an entry in ClinVar:

ClinVar aggregate classification (germline): Uncertain significance. Review status: criteria provided, multiple submitters, no conflicts (2 of 4 stars). 2 submissions from 2 submitters: Uncertain significance (2). Last evaluated 2024-11-20.

Conditions:
Inborn genetic diseases. Identifiers: MedGen C0950123, MeSH D030342.

gnomAD v4.1: 5 of 1,613,812 alleles (0.00031%); highest among the groups gnomAD compares: African/African-American, 0.0013%; no homozygotes.

Submissions (2):

GeneDx
Classification: Uncertain significance. Last evaluated: 2024-11-20. Review status: criteria provided, single submitter. Criteria: GeneDx Variant Classification Process June 2021. Collection method: clinical testing. Allele origin: germline. Affected: yes.
Comment: Not observed at significant frequency in large population cohorts (gnomAD); In silico analysis indicates that this missense variant does not alter protein structure/function; Has not been previously published as pathogenic or benign to our knowledge

Ambry Genetics
Classification: Uncertain significance for Inborn genetic diseases. Last evaluated: 2023-02-22. Review status: criteria provided, single submitter. Criteria: Ambry Variant Classification Scheme 2023. Collection method: clinical testing. Allele origin: germline.

NM_006996.3(SLC19A2):c.1093A>G (p.Thr365Ala)

Gene: SLC19A2 (solute carrier family 19 member 2; minus strand). Cytogenetic location: 1q24.2.
Variant type: single nucleotide variant.
Coding change: c.1093A>G on transcript NM_006996.3 (MANE Select); coding-DNA position 1093, A replaced by G.
Protein change: p.Thr365Ala; replaces threonine 365 with alanine.
Molecular consequence: missense variant.
Genome position (GRCh38, 1-based): chr1:169,468,774, T>C on the plus strand (A>G on the coding strand, the complement: SLC19A2 is on the minus strand). VCF-style: chr1-169468774-T-C. GRCh37 (hg19) VCF-style: chr1-169438012-T-C.
Other names: c.490A>G, p.Thr164Ala (NM_001319667.1); short protein forms T164A, T365A.
Identifiers: ClinVar variation 2487374 (VCV002487374.3), dbSNP rs150049339, ClinGen allele CA1232925.